The following is an entry in ClinVar:

NC_000009.12:g.35658029_35658042dup

Gene: RMRP (RNA component of mitochondrial RNA processing endoribonuclease; minus strand). Cytogenetic location: 9p13.3.
Variant type: Duplication.
Genome position: GRCh38 VCF-style: chr9-35658028-G-GCTTCACAGAGTAGT. GRCh37 (hg19) VCF-style: chr9-35658025-G-GCTTCACAGAGTAGT.
Identifiers: ClinVar variation 1408689 (VCV001408689.8), dbSNP rs2131810104, ClinGen allele CA2573144657.
Genomic context (GRCh38, chr9:35,658,028, plus strand): 5'-GGAACAGAGTCCTCAGTGTGTAGCCTAGGATACAGGCCTTCAGCACGAACCACGTCCTCA[G>GCTTCACAGAGTAGT]CTTCACAGAGTAGTATTTTATAGCCCTAAAGAAATTGTGTTTTATGATTAGGGTGAGAAA-3'

ClinVar aggregate classification (germline): Pathogenic (1 of 4 stars; one submission).

Conditions:
Anauxetic dysplasia. Identifiers: Orphanet 93347, MedGen C1846796, MONDO:0011773.

Submission:

Labcorp Genetics (formerly Invitae), Labcorp
Classification: Pathogenic for Anauxetic dysplasia. Last evaluated: 2021-03-17. Review status: criteria provided, single submitter. Criteria: Invitae Variant Classification Sherloc (09022015). Collection method: clinical testing. Allele origin: germline.
Comment: This variant occurs in the RMRP gene, which encodes an RNA molecule that does not result in a protein product. The frequency data for this variant in the population databases is considered unreliable, as metrics indicate insufficient coverage at this position in the ExAC database. While this particular variant has not been reported in the literature, it is located in the promoter region between the TATA box and the transcription initiation site, and other insertions and duplications immediately upstream of the coding sequence have been reported in individuals affected with cartilage-hair hypoplasia-anauxetic dysplasia (CHH-AD) spectrum disorders (PMID: 16244706, 11207361, 12107819). While functional studies for this variant have not been reported, experimental analyses using patient derived cells, as well as in vitro transfection studies, have shown that promoter insertions result in silencing of RMRP transcription and reduced expression of the gene product (PMID: 11207361, 16254002). For these reasons, this variant has been classified as Pathogenic.

Literature cited by the submitters: PubMed 16244706; PubMed 11207361; PubMed 12107819; PubMed 16254002.